The following is an entry in ClinVar:

ClinVar aggregate classification (germline): Uncertain significance (1 of 4 stars; one submission).

Conditions:
Eichsfeld type congenital muscular dystrophy (CMYO3). Also called: MYOPATHY, SEPN1-RELATED; SELENON-related myopathy; Congenital myopathy 3 with rigid spine; Rigid spine muscular dystrophy 1. Identifiers: MedGen C0410180, MONDO:0100100, OMIM 602771.

Allele frequency attached by ClinVar (database versions not stated): gnomAD exomes below 0.00001 and 0.00001.
gnomAD v4.1: 2 of 1,613,852 alleles (0.00012%); highest among the groups gnomAD compares: Admixed American, 0.0033%; no homozygotes.

Submission:

Labcorp Genetics (formerly Invitae), Labcorp
Classification: Uncertain significance for Eichsfeld type congenital muscular dystrophy. Last evaluated: 2022-03-18. Review status: criteria provided, single submitter. Criteria: Invitae Variant Classification Sherloc (09022015). Collection method: clinical testing. Allele origin: germline.
Comment: This sequence change replaces valine, which is neutral and non-polar, with methionine, which is neutral and non-polar, at codon 265 of the SELENON protein (p.Val265Met). This variant is present in population databases (no rsID available, gnomAD 0.003%). This variant has not been reported in the literature in individuals affected with SELENON-related conditions. ClinVar contains an entry for this variant (Variation ID: 850550). Algorithms developed to predict the effect of missense changes on protein structure and function are either unavailable or do not agree on the potential impact of this missense change (SIFT: "Deleterious"; PolyPhen-2: "Benign"; Align-GVGD: "Class C0"). In summary, the available evidence is currently insufficient to determine the role of this variant in disease. Therefore, it has been classified as a Variant of Uncertain Significance.

NM_206926.2(SELENON):c.691G>A (p.Val231Met)

Gene: SELENON (selenoprotein N; plus strand). Cytogenetic location: 1p36.11.
Variant type: single nucleotide variant.
Coding change: c.691G>A on transcript NM_206926.2 (MANE Select); coding-DNA position 691, G replaced by A.
Protein change: p.Val231Met; replaces valine 231 with methionine.
Molecular consequence: missense variant.
Genome position (GRCh38, 1-based): chr1:25,809,071, G>A. VCF-style: chr1-25809071-G-A. GRCh37 (hg19) VCF-style: chr1-26135562-G-A.
Other names: c.793G>A, p.Val265Met (NM_020451.3); short protein forms V231M, V265M.
Identifiers: ClinVar variation 850550 (VCV000850550.7), dbSNP rs1364075867, ClinGen allele CA339113681.